The following is an entry in ClinVar:

NM_001378454.1(ALMS1):c.3724A>G (p.Thr1242Ala)

Gene: ALMS1 (ALMS1 centrosome and basal body associated protein; plus strand). Cytogenetic location: 2p13.1.
Variant type: single nucleotide variant.
Coding change: c.3724A>G on transcript NM_001378454.1 (MANE Select); coding-DNA position 3724, A replaced by G.
Protein change: p.Thr1242Ala; replaces threonine 1242 with alanine.
Molecular consequence: missense variant.
Genome position (GRCh38, 1-based): chr2:73,450,251, A>G. VCF-style: chr2-73450251-A-G. GRCh37 (hg19) VCF-style: chr2-73677378-A-G.
Other names: c.3727A>G, p.Thr1243Ala (NM_015120.4); short protein forms T1242A, T1243A.
Identifiers: ClinVar variation 1734340 (VCV001734340.2), dbSNP rs1370292225, ClinGen allele CA347276364.
Genomic context (GRCh38, chr2:73,450,251, plus strand): 5'-CTTGGACCAGCTGACCAGAAGACTGGGACACCAACTCCAACCTCTGCTTCTTACTCACAC[A>G]CAGAGAAGCCTGGTATTTTCTACCAACAGGTCTTGCCAGATAATCATCCAACTGAAGAGG-3'
Protein context (NP_001365383.1, residues 1232-1252): PTPTSASYSH[Thr1242Ala]EKPGIFYQQV

ClinVar aggregate classification (germline): Uncertain significance (1 of 4 stars; one submission).

Conditions:
Cardiovascular phenotype. Identifiers: MedGen CN230736.

gnomAD v4.1: 2 of 1,614,048 alleles (0.00012%); highest among the groups gnomAD compares: Non-Finnish European, 0.00017%; no homozygotes.

Submission:

Ambry Genetics
Classification: Uncertain significance for Cardiovascular phenotype. Last evaluated: 2020-08-18. Review status: criteria provided, single submitter. Criteria: Ambry Variant Classification Scheme 2023. Collection method: clinical testing. Allele origin: germline.
Comment: The p.T1243A variant (also known as c.3727A>G), located in coding exon 8 of the ALMS1 gene, results from an A to G substitution at nucleotide position 3727. The threonine at codon 1243 is replaced by alanine, an amino acid with similar properties. This amino acid position is poorly conserved in available vertebrate species. In addition, this alteration is predicted to be tolerated by in silico analysis. Since supporting evidence is limited at this time, the clinical significance of this alteration remains unclear.